The following is an entry in ClinVar:

ClinVar aggregate classification (germline): Likely pathogenic. Review status: criteria provided, multiple submitters, no conflicts (2 of 4 stars). 4 submissions from 4 submitters: Likely pathogenic (4). Last evaluated 2024-08-07.

Conditions:
Hereditary cancer-predisposing syndrome. Also called: Tumor predisposition; Hereditary neoplastic syndrome; Neoplastic Syndromes, Hereditary; Hereditary Cancer Syndrome. Identifiers: Orphanet 140162, MedGen C0027672, MeSH D009386, MONDO:0015356.
Familial cancer of breast. Also called: BREAST CANCER, FAMILIAL; Hereditary breast cancer; hereditary breast carcinoma. Identifiers: Orphanet 227535, MedGen C0346153, MONDO:0016419, OMIM 114480. Disease mechanism: loss of function.

Submissions (4):

Color Diagnostics, LLC DBA Color Health
Classification: Likely pathogenic for Hereditary cancer-predisposing syndrome. Last evaluated: 2024-08-07. Review status: criteria provided, single submitter. Criteria: ACMG Guidelines, 2015. Collection method: clinical testing. Allele origin: germline.
Comment: This variant causes the deletion of the last 3 amino acids in exon 4 and the first 7 nucleotides in intron 4 of the BARD1 gene. Splice site prediction tools predict that this variant may have a significant impact on RNA splicing. Although functional studies have not been reported for this variant, it is expected to result in an absent or non-functional protein product. This variant has not been reported in individuals affected with BARD1-related disorders in the literature. This variant has not been identified in the general population by the Genome Aggregation Database (gnomAD). Based on the available evidence, this variant is classified as Likely Pathogenic.

Myriad Genetics, Inc.
Classification: Likely pathogenic for Familial cancer of breast. Last evaluated: 2023-05-22. Review status: criteria provided, single submitter. Criteria: Myriad Autosomal Dominant, Autosomal Recessive and X-Linked Classification Criteria (2023). Collection method: clinical testing. Allele origin: unknown.
Comment: This variant is considered likely pathogenic. This variant occurs within a consensus splice junction and is predicted to result in abnormal mRNA splicing of either an out-of-frame exon or an in-frame exon necessary for protein stability and/or normal function.

Ambry Genetics
Classification: Likely pathogenic for Hereditary cancer-predisposing syndrome. Last evaluated: 2019-09-30. Review status: criteria provided, single submitter. Criteria: Ambry Variant Classification Scheme 2023. Collection method: clinical testing. Allele origin: germline.
Comment: The c.1306_1314+7del16 variant results from the deletion of 16 nucleotides (TCTATTAAGGTAGGAT) at positions c.1306 to c.1317+7 between coding exon 4 and intron 4 of the BARD1 gene. The deleted nucleotide region is well conserved in available vertebrate species. Using the BDGP and ESEfinder splice site prediction tools, this alteration is predicted to abolish the native donor splice site; however, direct evidence is unavailable. Alterations that disrupt the canonical splice site are expected to cause aberrant splicing, resulting in an abnormal protein or a transcript that is subject to nonsense-mediated mRNA decay. As such, this alteration is classified as likely pathogenic.

Labcorp Genetics (formerly Invitae), Labcorp
Classification: Likely pathogenic for Familial cancer of breast. Last evaluated: 2019-09-01. Review status: criteria provided, single submitter. Criteria: Invitae Variant Classification Sherloc (09022015). Collection method: clinical testing. Allele origin: germline.
Comment: In summary, the currently available evidence indicates that the variant is pathogenic, but additional data are needed to prove that conclusively. Therefore, this variant has been classified as Likely Pathogenic. Loss-of-function variants in BARD1 are known to be pathogenic (PMID: 20077502, 21344236). This variant has not been reported in the literature in individuals with BARD1-related conditions. This variant results in the deletion of part of exon 4 (c.1306_1314+7del) of the BARD1 gene. It is expected to disrupt RNA splicing and likely results in an absent or disrupted protein product.

Literature cited by the submitters: PubMed 20077502 (cited by Labcorp Genetics (formerly Invitae), Labcorp); PubMed 21344236 (cited by Labcorp Genetics (formerly Invitae), Labcorp).

NM_000465.4(BARD1):c.1306_1314+7del

Gene: BARD1 (BRCA1 associated RING domain 1; minus strand). Cytogenetic location: 2q35.
Variant type: Deletion.
Coding change: c.1306_1314+7del on transcript NM_000465.4 (MANE Select); coding-DNA position 1306 through 7 bases into the intron after coding-DNA position 1314, 16 bases deleted (TCTATTAAGGTAGGAT).
Molecular consequence: splice donor variant. On other transcripts: intron variant (3).
Genome position (GRCh38, 1-based): chr2:214,780,553-214,780,568, ATCCTACCTTAATAGA deleted on the plus strand (TCTATTAAGGTAGGAT on the coding strand, the reverse complement: BARD1 is on the minus strand); deleting any 16 consecutive bases within chr2:214,780,553-214,780,569 gives the same sequence; the c. name uses the placement nearest the transcript's 3' end. VCF-style (leftmost placement, unchanged base first): chr2-214780552-CATCCTACCTTAATAGA-C. GRCh37 (hg19) VCF-style: chr2-215645276-CATCCTACCTTAATAGA-C.
Other names: c.159-28013_159-27998del (NM_001282548.2); c.1249_1257+7del (NM_001282543.2); c.215+16493_215+16508del (NM_001282545.2); c.364+11729_364+11744del (NM_001282549.2).
Identifiers: ClinVar variation 957438 (VCV000957438.13), dbSNP rs1694934695, ClinGen allele CA1139655692.
Genomic context (GRCh38, chr2:214,780,552, plus strand): 5'-AAAACTGCAAAGAAATTGCTTTATAGTTGGCCTCATTCTGAGATGGTATTTCAGAGTAAG[CATCCTACCTTAATAGA>C]AGCAATATGGAGCAAAGTCTCTCCTCTATGATTTCTTTTCACAGCCATATTGGGCAACAG-3'